The following is an entry in ClinVar:

ClinVar aggregate classification (germline): Uncertain significance (1 of 4 stars; one submission).

Conditions:
Developmental and epileptic encephalopathy, 32 (DEE32). Also called: Epileptic encephalopathy, early infantile, 32. Identifiers: Orphanet 442835, MedGen C4225350, MONDO:0014607, OMIM 616366.

Submission:

Labcorp Genetics (formerly Invitae), Labcorp
Classification: Uncertain significance for Developmental and epileptic encephalopathy, 32. Last evaluated: 2025-10-11. Review status: criteria provided, single submitter. Criteria: Invitae Variant Classification Sherloc (09022015). Collection method: clinical testing. Allele origin: germline.
Comment: This sequence change replaces glycine, which is neutral and non-polar, with cysteine, which is neutral and slightly polar, at codon 391 of the KCNA2 protein (p.Gly391Cys). This variant is not present in population databases (gnomAD no frequency). This variant has not been reported in the literature in individuals affected with KCNA2-related conditions. ClinVar contains an entry for this variant (Variation ID: 2122422). Invitae Evidence Modeling of protein sequence and biophysical properties (such as structural, functional, and spatial information, amino acid conservation, physicochemical variation, residue mobility, and thermodynamic stability) indicates that this missense variant is expected to disrupt KCNA2 protein function with a positive predictive value of 95%. In summary, the available evidence is currently insufficient to determine the role of this variant in disease. Therefore, it has been classified as a Variant of Uncertain Significance.

NM_004974.4(KCNA2):c.1171G>T (p.Gly391Cys)

Gene: KCNA2 (potassium voltage-gated channel subfamily A member 2; minus strand). Cytogenetic location: 1p13.3.
Variant type: single nucleotide variant.
Coding change: c.1171G>T on transcript NM_004974.4 (MANE Select); coding-DNA position 1171, G replaced by T.
Protein change: p.Gly391Cys; replaces glycine 391 with cysteine.
Molecular consequence: missense variant. On other transcripts: intron variant (1).
Genome position (GRCh38, 1-based): chr1:110,603,612, C>A on the plus strand (G>T on the coding strand, the complement: KCNA2 is on the minus strand). VCF-style: chr1-110603612-C-A. GRCh37 (hg19) VCF-style: chr1-111146234-C-A.
Other names: c.894+277G>T (NM_001204269.2); short protein forms G391C.
Identifiers: ClinVar variation 2122422 (VCV002122422.4), dbSNP rs2524616464, ClinGen allele CA341601506.